The following is an entry in ClinVar:

NM_005050.4(ABCD4):c.1528G>C (p.Glu510Gln)

Gene: ABCD4 (ATP binding cassette subfamily D member 4; minus strand). Cytogenetic location: 14q24.3.
Variant type: single nucleotide variant.
Coding change: c.1528G>C on transcript NM_005050.4 (MANE Select); coding-DNA position 1528, G replaced by C.
Protein change: p.Glu510Gln; replaces glutamic acid 510 with glutamine.
Molecular consequence: missense variant. On other transcripts: non-coding transcript variant (10).
Genome position (GRCh38, 1-based): chr14:74,288,238, C>G on the plus strand (G>C on the coding strand, the complement: ABCD4 is on the minus strand). VCF-style: chr14-74288238-C-G. GRCh37 (hg19) VCF-style: chr14-74754941-C-G.
Other names: c.1402G>C, p.Glu468Gln (NM_001353591.2, NM_001353592.2); c.1267G>C, p.Glu423Gln (NM_001353593.2); c.1216G>C, p.Glu406Gln (NM_001353594.2); c.1114G>C, p.Glu372Gln (NM_001353595.2, NM_001353596.2); c.1063G>C, p.Glu355Gln (NM_001353597.2); c.1051G>C, p.Glu351Gln (NM_001353598.2, NM_001353599.2, NM_001353600.2 and 2 more transcripts); c.739G>C, p.Glu247Gln (NM_001353602.2, NM_001353603.2, NM_001353604.2 and 5 more transcripts); c.795G>C, p.Gln265His (NM_001353610.2); and 2 more; short protein forms E247Q, E372Q, E510Q, E351Q, E355Q, E467Q, Q265H, E406Q.
Identifiers: ClinVar variation 2157474 (VCV002157474.3), dbSNP rs1161004191, ClinGen allele CA390379136.
Genomic context (GRCh38, chr14:74,288,238, plus strand): 5'-TCTCTGGAGCACCCAAGCTCTTTTCTTACCAGTTCCAGTCCACCTGCTGGTCCAGGCCCT[C>G]TGTCCTTGCCACCAAGTTGGACTGTAACAGACCCAGAGGGCAGGATGTCCATGAAATGGC-3'
Protein context (NP_005041.1, residues 500-520): AGLSNLVART[Glu510Gln]GLDQQVDWNW

ClinVar aggregate classification (germline): Uncertain significance (1 of 4 stars; one submission).

Conditions:
Methylmalonic acidemia with homocystinuria, type cblJ (MAHCJ). Also called: METHYLMALONIC ACIDURIA AND HOMOCYSTINURIA, cblJ TYPE. Identifiers: Orphanet 369955, MedGen C3553915, MONDO:0013925, OMIM 614857.

Allele frequency attached by ClinVar (database versions not stated): gnomAD exomes below 0.00001; TOPMed 0.00001.

Submission:

Labcorp Genetics (formerly Invitae), Labcorp
Classification: Uncertain significance for Methylmalonic acidemia with homocystinuria, type cblJ. Last evaluated: 2022-04-07. Review status: criteria provided, single submitter. Criteria: Invitae Variant Classification Sherloc (09022015). Collection method: clinical testing. Allele origin: germline.
Comment: In summary, the available evidence is currently insufficient to determine the role of this variant in disease. Therefore, it has been classified as a Variant of Uncertain Significance. Advanced modeling of protein sequence and biophysical properties (such as structural, functional, and spatial information, amino acid conservation, physicochemical variation, residue mobility, and thermodynamic stability) performed at Invitae indicates that this missense variant is not expected to disrupt ABCD4 protein function. This variant has not been reported in the literature in individuals affected with ABCD4-related conditions. This variant is present in population databases (no rsID available, gnomAD 0.003%). This sequence change replaces glutamic acid, which is acidic and polar, with glutamine, which is neutral and polar, at codon 510 of the ABCD4 protein (p.Glu510Gln).